The following is an entry in ClinVar:

NM_000890.5(KCNJ5):c.751C>T (p.Pro251Ser)

Gene: KCNJ5 (potassium inwardly rectifying channel subfamily J member 5; plus strand). Cytogenetic location: 11q24.3.
Variant type: single nucleotide variant.
Coding change: c.751C>T on transcript NM_000890.5 (MANE Select); coding-DNA position 751, C replaced by T.
Protein change: p.Pro251Ser; replaces proline 251 with serine.
Molecular consequence: missense variant.
Genome position (GRCh38, 1-based): chr11:128,912,024, C>T. VCF-style: chr11-128912024-C-T. GRCh37 (hg19) VCF-style: chr11-128781919-C-T.
Other names: c.751C>T, p.Pro251Ser (NM_001354169.2); short protein forms P251S.
Identifiers: ClinVar variation 2715873 (VCV002715873.3), dbSNP rs1411344218, ClinGen allele CA383249993.

ClinVar aggregate classification (germline): Uncertain significance (1 of 4 stars; one submission).

Conditions:
Long QT syndrome (LQTS). Identifiers: MedGen C0023976, MeSH D008133, MONDO:0002442. Disease mechanism: loss of function. Inheritance: Various modes of inheritance.

Allele frequency attached by ClinVar (database versions not stated): TOPMed below 0.00001.

Submission:

Labcorp Genetics (formerly Invitae), Labcorp
Classification: Uncertain significance for Long QT syndrome. Last evaluated: 2024-02-05. Review status: criteria provided, single submitter. Criteria: Invitae Variant Classification Sherloc (09022015). Collection method: clinical testing. Allele origin: germline.
Comment: This sequence change replaces proline, which is neutral and non-polar, with serine, which is neutral and polar, at codon 251 of the KCNJ5 protein (p.Pro251Ser). This variant is not present in population databases (gnomAD no frequency). This variant has not been reported in the literature in individuals affected with KCNJ5-related conditions. Advanced modeling of protein sequence and biophysical properties (such as structural, functional, and spatial information, amino acid conservation, physicochemical variation, residue mobility, and thermodynamic stability) performed at Invitae indicates that this missense variant is not expected to disrupt KCNJ5 protein function with a negative predictive value of 80%. In summary, the available evidence is currently insufficient to determine the role of this variant in disease. Therefore, it has been classified as a Variant of Uncertain Significance.